The following is an entry in ClinVar:

ClinVar aggregate classification (germline): Conflicting classifications of pathogenicity. Review status: criteria provided, conflicting classifications (1 of 4 stars). 4 submissions from 4 submitters: Uncertain significance (2); Benign (1); Likely benign (1). Last evaluated 2026-03-01.

Allele frequency attached by ClinVar (database versions not stated): ESP Exome Variant Server 0.00243; gnomAD 0.00255; gnomAD exomes 0.00025; ExAC 0.00129; TOPMed 0.00285; 1000 Genomes Project 30x 0.00297; 1000 Genomes Project 0.00319.
gnomAD v4.1: 751 of 1,551,310 alleles (0.048%); highest among the groups gnomAD compares: African/African-American, 0.88%; 6 homozygotes.

Submissions (5):

CeGaT Center for Human Genetics Tuebingen
Classification: Likely benign. Last evaluated: 2026-03-01. Review status: criteria provided, single submitter. Criteria: CeGaT Center For Human Genetics Tuebingen Variant Classification Criteria Version 2. Collection method: clinical testing. Allele origin: germline. Affected: yes. Observed: 1 variant allele.
Comment: F12: BP4, BS2

Labcorp Genetics (formerly Invitae), Labcorp
Classification: Benign. Last evaluated: 2025-08-06. Review status: criteria provided, single submitter. Criteria: Invitae Variant Classification Sherloc (09022015). Collection method: clinical testing. Allele origin: germline.

Blueprint Genetics
Classification: Uncertain significance. Last evaluated: 2024-10-02. Review status: criteria provided, single submitter. Criteria: ACMG Guidelines, 2015. Collection method: clinical testing. Allele origin: germline.

Mayo Clinic Laboratories, Mayo Clinic
Classification: Uncertain significance. Last evaluated: 2024-05-14. Review status: criteria provided, single submitter. Criteria: ACMG Guidelines, 2015. Collection method: clinical testing. Allele origin: germline. Observed: 2 variant alleles.
Comment: BS1

Dr. Peter K. Rogan Lab, Western University
No classification provided (evidence only). Condition: Hepatocellular carcinoma. Review status: no classification provided. Collection method: in vitro. Allele origin: not applicable. Functional consequence: retained intron. Not counted in ClinVar's aggregate classification.

NM_000505.4(F12):c.115G>A (p.Val39Ile)

Gene: F12 (coagulation factor XII; minus strand). Cytogenetic location: 5q35.3.
Variant type: single nucleotide variant.
Coding change: c.115G>A on transcript NM_000505.4 (MANE Select); coding-DNA position 115, G replaced by A.
Protein change: p.Val39Ile; replaces valine 39 with isoleucine.
Molecular consequence: missense variant.
Genome position (GRCh38, 1-based): chr5:177,409,046, C>T on the plus strand (G>A on the coding strand, the complement: F12 is on the minus strand). VCF-style: chr5-177409046-C-T. GRCh37 (hg19) VCF-style: chr5-176836047-C-T.
Other names: p.Val39Ile; short protein forms V39I.
Identifiers: ClinVar variation 2904978 (VCV002904978.10), dbSNP rs141342777, ClinGen allele CA3581623.